The following is an entry in ClinVar:

ClinVar aggregate classification (germline): Likely benign. Review status: criteria provided, single submitter (1 of 4 stars). 2 submissions from 2 submitters: Likely benign (1). 1 of the submissions does not count toward it. Last evaluated 2025-10-08.

Conditions:
Cataract 22 multiple types. Also called: CATARACT 22, NUCLEAR, AUTOSOMAL RECESSIVE; CATARACT 22, MULTIPLE TYPES, AUTOSOMAL DOMINANT; Cataract 22. Identifiers: Orphanet 91492, MedGen C1857853, MONDO:0012336, OMIM 609741.
CRYBB3-related disorder. Also called: CRYBB3-related condition.

Allele frequency attached by ClinVar (database versions not stated): TOPMed 0.00059; ESP Exome Variant Server 0.00085; 1000 Genomes Project 30x 0.00094; 1000 Genomes Project 0.00100.

Submissions (2):

Labcorp Genetics (formerly Invitae), Labcorp
Classification: Likely benign for Cataract 22 multiple types. Last evaluated: 2025-10-08. Review status: criteria provided, single submitter. Criteria: Invitae Variant Classification Sherloc (09022015). Collection method: clinical testing. Allele origin: germline.

PreventionGenetics, part of Exact Sciences
Classification: Likely benign for CRYBB3-related condition. Last evaluated: 2024-09-17. Review status: no assertion criteria provided. Collection method: clinical testing. Allele origin: germline. Not counted in ClinVar's aggregate classification.
Comment: This variant is classified as likely benign based on ACMG/AMP sequence variant interpretation guidelines (Richards et al. 2015 PMID: 25741868, with internal and published modifications).

NM_004076.5(CRYBB3):c.492C>A (p.Pro164=)

Gene: CRYBB3 (crystallin beta B3; plus strand). Cytogenetic location: 22q11.23.
Variant type: single nucleotide variant.
Coding change: c.492C>A on transcript NM_004076.5 (MANE Select); coding-DNA position 492, C replaced by A.
Protein change: p.Pro164=; no amino-acid change (proline 164 retained).
Molecular consequence: synonymous variant.
Genome position (GRCh38, 1-based): chr22:25,207,068, C>A. VCF-style: chr22-25207068-C-A. GRCh37 (hg19) VCF-style: chr22-25603035-C-A.
Identifiers: ClinVar variation 466360 (VCV000466360.10), dbSNP rs139487214, ClinGen allele CA10157826.